The following is an entry in ClinVar:

ClinVar aggregate classification (germline): Uncertain significance (1 of 4 stars; one submission).

Conditions:
SOX4-related disorder. Also called: SOX4-related condition.

Submission:

PreventionGenetics, part of Exact Sciences
Classification: Uncertain significance for SOX4-related condition. Last evaluated: 2023-08-07. Review status: criteria provided, single submitter. Criteria: ACMG Guidelines, 2015. Collection method: clinical testing. Allele origin: germline.
Comment: The SOX4 c.851C>T variant is predicted to result in the amino acid substitution p.Pro284Leu. To our knowledge, this variant has not been reported in the literature or in a large population database, indicating this variant is rare. At this time, the clinical significance of this variant is uncertain due to the absence of conclusive functional and genetic evidence.

NM_003107.3(SOX4):c.851C>T (p.Pro284Leu)

Genes: SOX4 (SRY-box transcription factor 4; plus strand), LOC129995965 (ATAC-STARR-seq lymphoblastoid silent region 16985; plus strand). Cytogenetic location: 6p22.3.
Variant type: single nucleotide variant.
Coding change: c.851C>T on transcript NM_003107.3 (MANE Select); coding-DNA position 851, C replaced by T.
Protein change: p.Pro284Leu; replaces proline 284 with leucine.
Molecular consequence: missense variant.
Genome position (GRCh38, 1-based): chr6:21,595,385, C>T. VCF-style: chr6-21595385-C-T. GRCh37 (hg19) VCF-style: chr6-21595616-C-T.
Other names: short protein forms P284L.
Identifiers: ClinVar variation 2631362 (VCV002631362.1), dbSNP rs1763117630, ClinGen allele CA363271449.
Genomic context (GRCh38, chr6:21,595,385, plus strand): 5'-CTCCCAGCGCCTCGGCCTCCGCCTCCTCGGCAGCCTCGGCCTCCGCAGCGCTCGCGGCCC[C>T]GGGCAAGCACCTGGCGGAGAAGAAGGTGAAGCGCGTCTACCTGTTCGGCGGCCTGGGCAC-3'
Protein context (NP_003098.1, residues 274-294): AASASAALAA[Pro284Leu]GKHLAEKKVK